The following is an entry in ClinVar:

NM_001349338.3(FOXP1):c.1255C>T (p.Gln419Ter)

Gene: FOXP1 (forkhead box P1; minus strand). Cytogenetic location: 3p13.
Variant type: single nucleotide variant.
Coding change: c.1255C>T on transcript NM_001349338.3 (MANE Select); coding-DNA position 1255, C replaced by T.
Protein change: p.Gln419Ter; replaces glutamine 419 with a stop codon.
Molecular consequence: nonsense. On other transcripts: non-coding transcript variant (2).
Genome position (GRCh38, 1-based): chr3:70,977,921, G>A on the plus strand (C>T on the coding strand, the complement: FOXP1 is on the minus strand). VCF-style: chr3-70977921-G-A. GRCh37 (hg19) VCF-style: chr3-71027072-G-A.
Other names: c.1255C>T, p.Gln419Ter (NM_001244808.3, NM_001244810.2, NM_001244814.3 and 3 more transcripts); c.1027C>T, p.Gln343Ter (NM_001244812.3); c.955C>T, p.Gln319Ter (NM_001244813.3, NM_001244815.2, NM_001349342.3 and 1 more transcripts); c.952C>T, p.Gln318Ter (NM_001349337.2, NM_001349343.3, NM_001349344.3); c.1252C>T, p.Gln418Ter (NM_001349341.3); short protein forms Q343*, Q318*, Q319*, Q419*, Q418*.
Identifiers: ClinVar variation 3516884 (VCV003516884.1).

ClinVar aggregate classification (germline): Pathogenic (1 of 4 stars; one submission).

Conditions:
Inborn genetic diseases. Identifiers: MedGen C0950123, MeSH D030342.

Submission:

Ambry Genetics
Classification: Pathogenic for Inborn genetic diseases. Last evaluated: 2024-10-02. Review status: criteria provided, single submitter. Criteria: Ambry Variant Classification Scheme 2023. Collection method: clinical testing. Allele origin: germline.
Comment: The c.1255C>T (p.Q419*) alteration, located in exon 15 (coding exon 10) of the FOXP1 gene, consists of a C to T substitution at nucleotide position 1255. This changes the amino acid from a glutamine (Q) to a stop codon at amino acid position 419. This alteration is expected to result in loss of function by premature protein truncation or nonsense-mediated mRNA decay. This variant was not reported in population-based cohorts in the Genome Aggregation Database (gnomAD). This variant has been determined to be the result of a de novo mutation in one individual with autism spectrum disorder (Zhou, 2022). Based on the available evidence, this alteration is classified as pathogenic.

Literature cited by the submitters: PubMed 35982159.